The following is an entry in ClinVar:

NM_001330078.2(NRXN1):c.670G>A (p.Glu224Lys)

Gene: NRXN1 (neurexin 1; minus strand). Cytogenetic location: 2p16.3.
Variant type: single nucleotide variant.
Coding change: c.670G>A on transcript NM_001330078.2 (MANE Select); coding-DNA position 670, G replaced by A.
Protein change: p.Glu224Lys; replaces glutamic acid 224 with lysine.
Molecular consequence: missense variant.
Genome position (GRCh38, 1-based): chr2:51,027,604, C>T on the plus strand (G>A on the coding strand, the complement: NRXN1 is on the minus strand). VCF-style: chr2-51027604-C-T. GRCh37 (hg19) VCF-style: chr2-51254742-C-T.
Other names: c.670G>A, p.Glu224Lys (NM_001135659.3, NM_001330077.2, NM_001330079.2 and 15 more transcripts); short protein forms E224K.
Identifiers: ClinVar variation 896476 (VCV000896476.13), dbSNP rs202242910, ClinGen allele CA346823529.

ClinVar aggregate classification (germline): Uncertain significance. Review status: criteria provided, multiple submitters, no conflicts (2 of 4 stars). 2 submissions from 2 submitters: Uncertain significance (2). Last evaluated 2022-10-17.

Conditions:
Pitt-Hopkins-like syndrome 2 (PTHSL2). Identifiers: Orphanet 221150, Orphanet 600663, MedGen C3280479, MONDO:0013690, OMIM 614325.

Allele frequency attached by ClinVar (database versions not stated): gnomAD exomes below 0.00001 and 0.00001; gnomAD 0.00001; TOPMed 0.00001.
gnomAD v4.1: 14 of 1,592,368 alleles (0.00088%); highest among the groups gnomAD compares: Non-Finnish European, 0.0011%; no homozygotes.

Submissions (2):

Labcorp Genetics (formerly Invitae), Labcorp
Classification: Uncertain significance for Pitt-Hopkins-like syndrome 2. Last evaluated: 2022-10-17. Review status: criteria provided, single submitter. Criteria: Invitae Variant Classification Sherloc (09022015). Collection method: clinical testing. Allele origin: germline.
Comment: In summary, the available evidence is currently insufficient to determine the role of this variant in disease. Therefore, it has been classified as a Variant of Uncertain Significance. Algorithms developed to predict the effect of missense changes on protein structure and function (SIFT, PolyPhen-2, Align-GVGD) all suggest that this variant is likely to be tolerated. ClinVar contains an entry for this variant (Variation ID: 896476). This variant has not been reported in the literature in individuals affected with NRXN1-related conditions. The frequency data for this variant in the population databases is considered unreliable, as metrics indicate poor data quality at this position in the gnomAD database. This sequence change replaces glutamic acid, which is acidic and polar, with lysine, which is basic and polar, at codon 224 of the NRXN1 protein (p.Glu224Lys).

Illumina Laboratory Services, Illumina
Classification: Uncertain significance for Pitt-Hopkins-like syndrome 2. Last evaluated: 2018-01-12. Review status: criteria provided, single submitter. Criteria: ICSL Variant Classification Criteria 13 December 2019. Collection method: clinical testing. Allele origin: germline.